The following is an entry in ClinVar:

NM_001142864.4(PIEZO1):c.323C>A (p.Thr108Lys)

Gene: PIEZO1 (piezo type mechanosensitive ion channel component 1 (Er blood group); minus strand). Cytogenetic location: 16q24.3.
Variant type: single nucleotide variant.
Coding change: c.323C>A on transcript NM_001142864.4 (MANE Select); coding-DNA position 323, C replaced by A.
Protein change: p.Thr108Lys; replaces threonine 108 with lysine.
Molecular consequence: missense variant.
Genome position (GRCh38, 1-based): chr16:88,742,056, G>T on the plus strand (C>A on the coding strand, the complement: PIEZO1 is on the minus strand). VCF-style: chr16-88742056-G-T. GRCh37 (hg19) VCF-style: chr16-88808464-G-T.
Other names: short protein forms T108K.
Identifiers: ClinVar variation 3600807 (VCV003600807.1).
Genomic context (GRCh38, chr16:88,742,056, plus strand): 5'-GGGGCCTGAAATCCCCAAGGGAGGCTTGCTGGTTGGGGGTGGGAGGAATGGTCTTACCTT[G>T]TGACCCCTATGTGTCGCGAGAGGGTCTCCCAGCGGCTGCCTGCAGAGAAAGACGGGGGAA-3'
Protein context (NP_001136336.2, residues 98-118): WETLSRHIGV[Thr108Lys]RLDLKDIPNA

ClinVar aggregate classification (germline): Uncertain significance (1 of 4 stars; one submission).

Submission:

GeneDx
Classification: Uncertain significance. Last evaluated: 2024-07-24. Review status: criteria provided, single submitter. Criteria: GeneDx Variant Classification Process June 2021. Collection method: clinical testing. Allele origin: germline. Affected: yes.
Comment: Not observed at significant frequency in large population cohorts (gnomAD); In silico analysis indicates that this missense variant does not alter protein structure/function; Has not been previously published as pathogenic or benign to our knowledge